The following is an entry in ClinVar:

ClinVar aggregate classification (germline): Pathogenic/Likely pathogenic. Review status: criteria provided, multiple submitters, no conflicts (2 of 4 stars). 6 submissions from 6 submitters: Pathogenic (3); Likely pathogenic (3). Last evaluated 2025-02-13.

Conditions:
Mucopolysaccharidosis, MPS-IV-A (MPS4A). Also called: MPS IVA; mucopolysaccharidosis type 4A; Mucopolysaccharidosis type IV A; Morquio syndrome A, mild; MORQUIO SYNDROME A; GALACTOSAMINE-6-SULFATASE DEFICIENCY. Identifiers: Orphanet 309297, Orphanet 582, MedGen C0086651, MONDO:0009659, OMIM 253000.
Morquio syndrome. Also called: Mucopolysaccharidosis, Type IV; MPS IV; Mucopolysaccharidosis type 4; Eccentrochondrodysplasia. Identifiers: Orphanet 582, MedGen C0026707, MONDO:0018938.

Submissions (6):

Women's Health and Genetics/Laboratory Corporation of America, LabCorp
Classification: Pathogenic for Morquio syndrome. Last evaluated: 2025-02-13. Review status: criteria provided, single submitter. Criteria: LabCorp Variant Classification Summary - May 2015. Collection method: clinical testing. Allele origin: germline.
Comment: Variant summary: GALNS c.491A>C (p.Asn164Thr) results in a non-conservative amino acid change located in the Sulfatase domain (IPR000917) of the encoded protein sequence. Four of five in-silico tools predict a damaging effect of the variant on protein function. The variant allele was found at a frequency of 8e-06 in 251346 control chromosomes. c.491A>C has been reported in the literature in multiple homozygous and compound heterozygous individuals affected with Mucopolysaccharidosis Type IVA (Morquio Syndrome A) (e.g. Tapiero-Rodriguez_2018, Tomatsu_2004). These data indicate that the variant is very likely to be associated with disease. At least one publication reports experimental evidence evaluating an impact on protein function. The most pronounced variant effect results in <10% of normal enzyme activity (e.g. Tapiero-Rodriguez_2018). The following publications have been ascertained in the context of this evaluation (PMID: 29731656, 16287098). ClinVar contains an entry for this variant (Variation ID: 803280). Based on the evidence outlined above, the variant was classified as pathogenic.

Revvity Omics, Revvity
Classification: Likely pathogenic for Mucopolysaccharidosis, MPS-IV-A. Last evaluated: 2024-02-23. Review status: criteria provided, single submitter. Criteria: ACMG Guidelines, 2015. Collection method: clinical testing. Allele origin: germline.

Labcorp Genetics (formerly Invitae), Labcorp
Classification: Pathogenic for Mucopolysaccharidosis, MPS-IV-A. Last evaluated: 2023-04-22. Review status: criteria provided, single submitter. Criteria: Invitae Variant Classification Sherloc (09022015). Collection method: clinical testing. Allele origin: germline.
Comment: For these reasons, this variant has been classified as Pathogenic. Advanced modeling of protein sequence and biophysical properties (such as structural, functional, and spatial information, amino acid conservation, physicochemical variation, residue mobility, and thermodynamic stability) performed at Invitae indicates that this missense variant is expected to disrupt GALNS protein function. ClinVar contains an entry for this variant (Variation ID: 803280). This variant is also known as c.500A>C. This missense change has been observed in individual(s) with mucopolysaccharidosis type IVA (PMID: 15309681, 29731656, 33304816). The frequency data for this variant in the population databases is considered unreliable, as metrics indicate poor data quality at this position in the gnomAD database. This sequence change replaces asparagine, which is neutral and polar, with threonine, which is neutral and polar, at codon 164 of the GALNS protein (p.Asn164Thr).

Genome-Nilou Lab
Classification: Likely pathogenic for Mucopolysaccharidosis, MPS-IV-A. Last evaluated: 2021-11-07. Review status: criteria provided, single submitter. Criteria: ACMG Guidelines, 2015. Collection method: clinical testing. Allele origin: germline. Affected: no.

Laboratory of Diagnosis and Therapy of Lysosomal Disorders, University of Padova
Classification: Likely pathogenic for Mucopolysaccharidosis, MPS-IV-A. Last evaluated: 2021-02-01. Review status: criteria provided, single submitter. Criteria: ACMG Guidelines, 2015. Collection method: research. Allele origin: germline. Affected: yes.
Comment: The prevalence of the variant in affected individuals is significantly increased compared with the prevalence in controls (PS4_strong); very low frequency in gnomAD v2.1.1 (PM2_moderate); multiple lines of computational evidence support a deleterious effect on the gene (PP3_supporting)

Mendelics
Classification: Pathogenic for Mucopolysaccharidosis, MPS-IV-A. Last evaluated: 2019-05-28. Review status: criteria provided, single submitter. Criteria: Mendelics Assertion Criteria 2017. Collection method: clinical testing. Allele origin: unknown.

Literature cited by the submitters: PubMed 16287098 (cited by Women's Health and Genetics/Laboratory Corporation of America, LabCorp); PubMed 29731656 (cited by 3 submitters); PubMed 15309681 (cited by Labcorp Genetics (formerly Invitae), Labcorp and Laboratory of Diagnosis and Therapy of Lysosomal Disorders, University of Padova); PubMed 33304816 (cited by Labcorp Genetics (formerly Invitae), Labcorp); PubMed 34387910 (cited by Laboratory of Diagnosis and Therapy of Lysosomal Disorders, University of Padova); DOI 10.1016/j.mgene.2018.01.008; DOI 10.1590/S1415-47572007000400004; (cited by Laboratory of Diagnosis and Therapy of Lysosomal Disorders, University of Padova).

NM_000512.5(GALNS):c.491A>C (p.Asn164Thr)

Gene: GALNS (galactosamine (N-acetyl)-6-sulfatase; minus strand). Cytogenetic location: 16q24.3.
Variant type: single nucleotide variant.
Coding change: c.491A>C on transcript NM_000512.5 (MANE Select); coding-DNA position 491, A replaced by C.
Protein change: p.Asn164Thr; replaces asparagine 164 with threonine.
Molecular consequence: missense variant. On other transcripts: 5 prime UTR variant (1).
Genome position (GRCh38, 1-based): chr16:88,837,697, T>G on the plus strand (A>C on the coding strand, the complement: GALNS is on the minus strand). VCF-style: chr16-88837697-T-G. GRCh37 (hg19) VCF-style: chr16-88904105-T-G.
Other names: c.491A>C (NM_000512.4); c.-65A>C (NM_001323543.2); c.509A>C, p.Asn170Thr (NM_001323544.2); short protein forms N164T, N170T.
Identifiers: ClinVar variation 803280 (VCV000803280.15), dbSNP rs761725425, ClinGen allele CA8235125.